The following is an entry in ClinVar:

ClinVar aggregate classification (germline): Uncertain significance (1 of 4 stars; one submission).

Conditions:
Multiple self-healing squamous epithelioma (MSSE). Also called: MULTIPLE SELF-HEALING SQUAMOUS EPITHELIOMA, SUSCEPTIBILITY TO. Identifiers: Orphanet 65748, MedGen C0546476, MONDO:0007566, OMIM 132800.
Loeys-Dietz syndrome 1 (LDS1). Also called: FURLONG SYNDROME; TGFBR1-Related Loeys-Dietz Syndrome; AORTIC ANEURYSM, FAMILIAL THORACIC 5. Identifiers: Orphanet 60030, MedGen C4551955, MONDO:0012212, OMIM 609192.

Submission:

Juno Genomics, Hangzhou Juno Genomics, Inc
Classification: Uncertain significance for Multiple self-healing squamous epithelioma; Loeys-Dietz syndrome 1. Review status: criteria provided, single submitter. Criteria: ACMG Guidelines, 2015. Collection method: clinical testing. Allele origin: germline.
Comment: Absent from controls (or at extremely low frequency if recessive) in Genome Aggregation Database.;Missense variant in a gene that has a low rate of benign missense variation.

NM_004612.4(TGFBR1):c.1069A>G (p.Arg357Gly)

Gene: TGFBR1 (transforming growth factor beta receptor 1; plus strand). Cytogenetic location: 9q22.33.
Variant type: single nucleotide variant.
Coding change: c.1069A>G on transcript NM_004612.4 (MANE Select); coding-DNA position 1069, A replaced by G.
Protein change: p.Arg357Gly; replaces arginine 357 with glycine.
Molecular consequence: missense variant. On other transcripts: non-coding transcript variant (4).
Genome position (GRCh38, 1-based): chr9:99,144,827, A>G. VCF-style: chr9-99144827-A-G. GRCh37 (hg19) VCF-style: chr9-101907109-A-G.
Other names: c.838A>G, p.Arg280Gly (NM_001130916.3, NM_001407435.1); c.1081A>G, p.Arg361Gly (NM_001306210.2); c.913A>G, p.Arg305Gly (NM_001407416.1); c.901A>G, p.Arg301Gly (NM_001407417.1); c.874A>G, p.Arg292Gly (NM_001407418.1, NM_001407419.1, NM_001407420.1 and 1 more transcripts); c.862A>G, p.Arg288Gly (NM_001407423.1, NM_001407424.1, NM_001407425.1 and 8 more transcripts); c.823A>G, p.Arg275Gly (NM_001407436.1); c.361A>G, p.Arg121Gly (NM_001407437.1); and 1 more; short protein forms R121G, R198G, R275G, R280G, R288G, R292G, R301G, R305G.
Identifiers: ClinVar variation 5019713 (VCV005019713.2).